The following is an entry in ClinVar:

ClinVar aggregate classification (germline): Benign. Review status: criteria provided, multiple submitters, no conflicts (2 of 4 stars). 3 submissions from 3 submitters: Benign (3). Last evaluated 2018-06-26.

Allele frequency attached by ClinVar (database versions not stated): gnomAD exomes 0.03096 and 0.04248; ESP Exome Variant Server 0.04244; ExAC 0.04678; gnomAD 0.04814 and 0.04827; TOPMed 0.05199; 1000 Genomes Project 30x 0.06387; 1000 Genomes Project 0.06550.
gnomAD v4.1: 52,498 of 1,597,422 alleles (3.3%); highest among the groups gnomAD compares: East Asian, 8.6%; 1,164 homozygotes.

Submissions (3):

GeneDx
Classification: Benign. Last evaluated: 2018-06-26. Review status: criteria provided, single submitter. Criteria: GeneDx Variant Classification Process June 2021. Collection method: clinical testing. Allele origin: germline. Affected: yes.

Women's Health and Genetics/Laboratory Corporation of America, LabCorp
Classification: Benign. Last evaluated: 2017-03-16. Review status: criteria provided, single submitter. Criteria: LabCorp Variant Classification Summary - May 2015. Collection method: clinical testing. Allele origin: germline.
Comment: Variant summary: The COL5A2 c.403-42A>G variant involves the alteration of a non-conserved intronic nucleotide. One in silico tool predicts a benign outcome for this variant. 4/5 splice prediction tools predict no significant impact on normal splicing. However, these predictions have yet to be confirmed by functional studies. The variant of interest has been observed in a large, broad control population, ExAC, in 5189/110920 control chromosomes (148 homozygotes) at a frequency of 0.0467815, which is approximately 7485 times the estimated maximal expected allele frequency of a pathogenic COL5A2 variant (0.0000063), suggesting this variant is likely a benign polymorphism. The variant of interest has not, to our knowledge, been reported in affected individuals via publications and/or reputable databases/clinical diagnostic laboratories; nor evaluated for functional impact by in vivo/vitro studies. Taken together, this variant is classified as benign.

Breakthrough Genomics
Classification: Benign. Review status: criteria provided, single submitter. Criteria: ACMG Guidelines, 2015. Collection method: not provided. Allele origin: germline. Inheritance: Autosomal dominant inheritance. Affected: yes.

NM_000393.5(COL5A2):c.403-42A>G

Gene: COL5A2 (collagen type V alpha 2 chain; minus strand). Cytogenetic location: 2q32.2.
Variant type: single nucleotide variant.
Coding change: c.403-42A>G on transcript NM_000393.5 (MANE Select); 42 bases into the intron before coding-DNA position 403, A replaced by G.
Molecular consequence: intron variant.
Genome position (GRCh38, 1-based): chr2:189,097,372, T>C on the plus strand (A>G on the coding strand, the complement: COL5A2 is on the minus strand). VCF-style: chr2-189097372-T-C. GRCh37 (hg19) VCF-style: chr2-189962098-T-C.
Identifiers: ClinVar variation 495860 (VCV000495860.3), dbSNP rs73051214, ClinGen allele CA2023075.